The following is an entry in ClinVar:

NM_003235.5(TG):c.3187C>A (p.Leu1063Met)

Gene: TG (thyroglobulin; plus strand). Cytogenetic location: 8q24.22.
Variant type: single nucleotide variant.
Coding change: c.3187C>A on transcript NM_003235.5 (MANE Select); coding-DNA position 3187, C replaced by A.
Protein change: p.Leu1063Met; replaces leucine 1063 with methionine.
Molecular consequence: missense variant.
Genome position (GRCh38, 1-based): chr8:132,898,216, C>A. VCF-style: chr8-132898216-C-A. GRCh37 (hg19) VCF-style: chr8-133910461-C-A.
Other names: short protein forms L1063M.
Identifiers: ClinVar variation 361941 (VCV000361941.40), dbSNP rs11992497, ClinGen allele CA4883653.
Genomic context (GRCh38, chr8:132,898,216, plus strand): 5'-GGCTCTTTTCCAGGGCACTGCTGGTGTGTAGATGAGAAAGGAGGGTTCATCCCTGGCTCA[C>A]TGACTGCCCGCTCTCTGCAGATTCCACAGTGTAAGTGAAGACTGCAGAGTTCTCCTCCTG-3'
Protein context (NP_003226.4, residues 1053-1073): DEKGGFIPGS[Leu1063Met]TARSLQIPQC

ClinVar aggregate classification (germline): Benign/Likely benign. Review status: criteria provided, multiple submitters, no conflicts (2 of 4 stars). 7 submissions from 7 submitters: Benign (2); Likely benign (3). 2 of the submissions do not count toward it. Last evaluated 2026-01-31.

Conditions:
Iodotyrosyl coupling defect (TDH3). Also called: HYPOTHYROIDISM, CONGENITAL, DUE TO DYSHORMONOGENESIS, 3; THYROID HORMONOGENESIS, GENETIC DEFECT IN, 3. Identifiers: Orphanet 95716, MedGen C0342194, MONDO:0010135, OMIM 274700.

Allele frequency attached by ClinVar (database versions not stated): gnomAD exomes 0.00086 and 0.00191; ExAC 0.00398; 1000 Genomes Project 0.00819; ESP Exome Variant Server 0.00823; 1000 Genomes Project 30x 0.00828; gnomAD 0.00836 and 0.00903; TOPMed 0.00848.
gnomAD v4.1: 2,592 of 1,605,072 alleles (0.16%); highest among the groups gnomAD compares: African/African-American, 3%; 47 homozygotes.

Submissions (7):

Labcorp Genetics (formerly Invitae), Labcorp
Classification: Benign. Last evaluated: 2026-01-31. Review status: criteria provided, single submitter. Criteria: Invitae Variant Classification Sherloc (09022015). Collection method: clinical testing. Allele origin: germline.

Genomic Medicine Center of Excellence, King Faisal Specialist Hospital and Research Centre
Classification: Likely benign. Last evaluated: 2025-08-18. Review status: criteria provided, single submitter. Criteria: ACMG Guidelines, 2015. Collection method: clinical testing. Allele origin: germline.

CeGaT Center for Human Genetics Tuebingen
Classification: Benign. Last evaluated: 2024-11-01. Review status: criteria provided, single submitter. Criteria: CeGaT Center For Human Genetics Tuebingen Variant Classification Criteria Version 2. Collection method: clinical testing. Allele origin: germline. Affected: yes. Observed: 2 variant alleles.
Comment: TG: BP4, BS1, BS2

Illumina Laboratory Services, Illumina
Classification: Likely benign for Iodotyrosyl coupling defect. Last evaluated: 2018-01-13. Review status: criteria provided, single submitter. Criteria: ICSL Variant Classification Criteria 13 December 2019. Collection method: clinical testing. Allele origin: germline.
Comment: This variant was observed in the ICSL laboratory as part of a predisposition screen in an ostensibly healthy population. It had not been previously curated by ICSL or reported in the Human Gene Mutation Database (HGMD: prior to June 1st, 2018), and was therefore a candidate for classification through an automated scoring system. Utilizing variant allele frequency, disease prevalence and penetrance estimates, and inheritance mode, an automated score was calculated to assess if this variant is too frequent to cause the disease. Based on the score and internal cut-off values, a variant classified as likely benign is not then subjected to further curation. The score for this variant resulted in a classification of likely benign for this disease.

Breakthrough Genomics
Classification: Likely benign. Review status: criteria provided, single submitter. Criteria: ACMG Guidelines, 2015. Collection method: not provided. Allele origin: germline. Inheritance: Autosomal recessive inheritance. Affected: yes.

Clinical Genetics DNA and cytogenetics Diagnostics Lab, Erasmus MC, Erasmus Medical Center
Classification: Benign. Review status: no assertion criteria provided. Collection method: clinical testing. Allele origin: germline. Affected: yes. Study: VKGL Data-share Consensus. Not counted in ClinVar's aggregate classification.

Clinical Genetics, Academic Medical Center
Classification: Likely benign. Review status: no assertion criteria provided. Collection method: clinical testing. Allele origin: germline. Affected: yes. Study: VKGL Data-share Consensus. Not counted in ClinVar's aggregate classification.